The following is an entry in ClinVar:

ClinVar aggregate classification (germline): Benign (1 of 4 stars; one submission).

Conditions:
Premature ovarian failure 6 (POF6). Identifiers: MedGen C2676742, MONDO:0012861, OMIM 612310.

Allele frequency attached by ClinVar (database versions not stated): gnomAD exomes 0.00009; ExAC 0.00016; gnomAD 0.00067 and 0.00073; TOPMed 0.00070.
gnomAD v4.1: 178 of 1,520,424 alleles (0.012%); highest among the groups gnomAD compares: African/African-American, 0.22%; 1 homozygote.

Submission:

Illumina Laboratory Services, Illumina
Classification: Benign for Premature ovarian failure 6. Last evaluated: 2018-01-13. Review status: criteria provided, single submitter. Criteria: ICSL Variant Classification Criteria 13 December 2019. Collection method: clinical testing. Allele origin: germline.
Comment: This variant was observed in the ICSL laboratory as part of a predisposition screen in an ostensibly healthy population. It had not been previously curated by ICSL or reported in the Human Gene Mutation Database (HGMD: prior to June 1st, 2018), and was therefore a candidate for classification through an automated scoring system. Utilizing variant allele frequency, disease prevalence and penetrance estimates, and inheritance mode, an automated score was calculated to assess if this variant is too frequent to cause the disease. Based on the score and internal cut-off values, a variant classified as benign is not then subjected to further curation. The score for this variant resulted in a classification of benign for this disease.

NM_001004311.3(FIGLA):c.231+15G>A

Gene: FIGLA (folliculogenesis specific bHLH transcription factor; minus strand). Cytogenetic location: 2p13.3.
Variant type: single nucleotide variant.
Coding change: c.231+15G>A on transcript NM_001004311.3 (MANE Select); 15 bases into the intron after coding-DNA position 231, G replaced by A.
Molecular consequence: intron variant.
Genome position (GRCh38, 1-based): chr2:70,790,393, C>T on the plus strand (G>A on the coding strand, the complement: FIGLA is on the minus strand). VCF-style: chr2-70790393-C-T. GRCh37 (hg19) VCF-style: chr2-71017525-C-T.
Identifiers: ClinVar variation 898226 (VCV000898226.4), dbSNP rs781794080, ClinGen allele CA1699712.